The following is an entry in ClinVar:

NM_003673.4(TCAP):c.*395C>T

Gene: TCAP (titin-cap; plus strand). Cytogenetic location: 17q12.
Variant type: single nucleotide variant.
Coding change: c.*395C>T on transcript NM_003673.4 (MANE Select); 395 bases downstream of the stop codon, C replaced by T.
Molecular consequence: 3 prime UTR variant.
Genome position (GRCh38, 1-based): chr17:39,666,504, C>T. VCF-style: chr17-39666504-C-T. GRCh37 (hg19) VCF-style: chr17-37822757-C-T.
Identifiers: ClinVar variation 891260 (VCV000891260.35), dbSNP rs45540732, ClinGen allele CA290434439.

ClinVar aggregate classification (germline): Conflicting classifications of pathogenicity. Review status: criteria provided, conflicting classifications (1 of 4 stars). 3 submissions from 2 submitters: Uncertain significance (2); Likely benign (1). Last evaluated 2023-05-01.

Conditions:
Autosomal recessive limb-girdle muscular dystrophy type 2G (LGMDR7). Also called: Telethoninopathy; MUSCULAR DYSTROPHY, LIMB-GIRDLE, AUTOSOMAL RECESSIVE 7; Limb-girdle muscular dystrophy, type 2G. Identifiers: Orphanet 34514, MedGen C1866008, MONDO:0011170, OMIM 601954.
Hypertrophic cardiomyopathy 25 (CMH25). Also called: CARDIOMYOPATHY, FAMILIAL HYPERTROPHIC, 25. Identifiers: MedGen C4225408, MONDO:0011843, OMIM 607487.

Allele frequency attached by ClinVar (database versions not stated): 1000 Genomes Project 30x 0.00281; 1000 Genomes Project 0.00300; TOPMed 0.00487; gnomAD 0.00753 and 0.00792; gnomAD exomes 0.00791.

Submissions (3):

CeGaT Center for Human Genetics Tuebingen
Classification: Likely benign. Last evaluated: 2023-05-01. Review status: criteria provided, single submitter. Criteria: CeGaT Center For Human Genetics Tuebingen Variant Classification Criteria Version 2. Collection method: clinical testing. Allele origin: germline. Affected: yes. Observed: 3 variant alleles.
Comment: TCAP: BS2

Illumina Laboratory Services, Illumina
Classification: Uncertain significance for Autosomal recessive limb-girdle muscular dystrophy type 2G. Last evaluated: 2018-01-12. Review status: criteria provided, single submitter. Criteria: ICSL Variant Classification Criteria 13 December 2019. Collection method: clinical testing. Allele origin: germline.

Illumina Laboratory Services, Illumina
Classification: Uncertain significance for Cardiomyopathy, Dilated, 1N. Last evaluated: 2018-01-12. Review status: criteria provided, single submitter. Criteria: ICSL Variant Classification Criteria 13 December 2019. Collection method: clinical testing. Allele origin: germline.